The following is an entry in ClinVar:

NM_006277.3(ITSN2):c.2988A>T (p.Glu996Asp)

Gene: ITSN2 (intersectin 2; minus strand). Cytogenetic location: 2p23.3.
Variant type: single nucleotide variant.
Coding change: c.2988A>T on transcript NM_006277.3 (MANE Select); coding-DNA position 2988, A replaced by T.
Protein change: p.Glu996Asp; replaces glutamic acid 996 with aspartic acid.
Molecular consequence: missense variant.
Genome position (GRCh38, 1-based): chr2:24,252,477, T>A on the plus strand (A>T on the coding strand, the complement: ITSN2 is on the minus strand). VCF-style: chr2-24252477-T-A. GRCh37 (hg19) VCF-style: chr2-24475346-T-A.
Other names: c.2946A>T, p.Glu982Asp (NM_001348181.2); c.2868A>T, p.Glu956Asp (NM_001348182.2, NM_001348186.2); c.2907A>T, p.Glu969Asp (NM_001348183.2, NM_019595.4); c.2865A>T, p.Glu955Asp (NM_001348184.2); c.2949A>T, p.Glu983Asp (NM_001348185.2); c.2988A>T, p.Glu996Asp (NM_147152.3); short protein forms E955D, E956D, E969D, E982D, E983D, E996D.
Identifiers: ClinVar variation 2636842 (VCV002636842.1), dbSNP rs2466084325, ClinGen allele CA346019936.

ClinVar aggregate classification (germline): Uncertain significance (1 of 4 stars; one submission).

Conditions:
ITSN2-related disorder. Also called: ITSN2-related condition.

Submission:

PreventionGenetics, part of Exact Sciences
Classification: Uncertain significance for ITSN2-related condition. Last evaluated: 2023-05-17. Review status: criteria provided, single submitter. Criteria: ACMG Guidelines, 2015. Collection method: clinical testing. Allele origin: germline.
Comment: The ITSN2 c.2988A>T variant is predicted to result in the amino acid substitution p.Glu996Asp. To our knowledge, this variant has not been reported in the literature or in a large population database, indicating this variant is rare. At this time, the clinical significance of this variant is uncertain due to the absence of conclusive functional and genetic evidence.